The following is an entry in ClinVar:

NM_005188.4(CBL):c.2350G>A (p.Val784Met)

Gene: CBL (Cbl proto-oncogene; plus strand). Cytogenetic location: 11q23.3.
Variant type: single nucleotide variant.
Coding change: c.2350G>A on transcript NM_005188.4 (MANE Select); coding-DNA position 2350, G replaced by A.
Protein change: p.Val784Met; replaces valine 784 with methionine.
Molecular consequence: missense variant.
Genome position (GRCh38, 1-based): chr11:119,298,456, G>A. VCF-style: chr11-119298456-G-A. GRCh37 (hg19) VCF-style: chr11-119169166-G-A.
Other names: short protein forms V784M.
Identifiers: ClinVar variation 40422 (VCV000040422.13), dbSNP rs140725852, ClinGen allele CA282046.

ClinVar aggregate classification (germline): Conflicting classifications of pathogenicity. Review status: criteria provided, conflicting classifications (1 of 4 stars). 5 submissions from 5 submitters: Uncertain significance (4); Likely benign (1). Last evaluated 2026-01-19.

Conditions:
CBL-related disorder. Also called: CBL MUTATION-ASSOCIATED SYNDROME; CBL SYNDROME; NOONAN SYNDROME-LIKE DISORDER WITHOUT JUVENILE MYELOMONOCYTIC LEUKEMIA. Identifiers: Orphanet 363972, MedGen C3150803, MONDO:0013308, OMIM 613563.
Juvenile myelomonocytic leukemia (JMML). Also called: LEUKEMIA, JUVENILE MYELOMONOCYTIC, SOMATIC. Identifiers: Orphanet 86834, MedGen C0349639, MONDO:0011908, OMIM 607785, HP:0012209.
RASopathy. Also called: rasopathies; Noonan spectrum disorder. Identifiers: Orphanet 536391, MedGen C5555857, MONDO:0021060.

Allele frequency attached by ClinVar (database versions not stated): gnomAD 0.00002; gnomAD exomes 0.00002 and 0.00004; ExAC 0.00003; TOPMed 0.00003; ESP Exome Variant Server 0.00008; 1000 Genomes Project 30x 0.00016; 1000 Genomes Project 0.00020.
gnomAD v4.1: 39 of 1,614,160 alleles (0.0024%); highest among the groups gnomAD compares: South Asian, 0.0044%; 1 homozygote.

Submissions (5):

Labcorp Genetics (formerly Invitae), Labcorp
Classification: Uncertain significance for RASopathy. Last evaluated: 2026-01-19. Review status: criteria provided, single submitter. Criteria: Invitae Variant Classification Sherloc (09022015). Collection method: clinical testing. Allele origin: germline.
Comment: This sequence change replaces valine, which is neutral and non-polar, with methionine, which is neutral and non-polar, at codon 784 of the CBL protein (p.Val784Met). This variant is present in population databases (rs140725852, gnomAD 0.006%). This missense change has been observed in individual(s) with Noonan syndrome (PMID: 24451042). ClinVar contains an entry for this variant (Variation ID: 40422). Invitae Evidence Modeling of protein sequence and biophysical properties (such as structural, functional, and spatial information, amino acid conservation, physicochemical variation, residue mobility, and thermodynamic stability) indicates that this missense variant is not expected to disrupt CBL protein function with a negative predictive value of 95%. In summary, the available evidence is currently insufficient to determine the role of this variant in disease. Therefore, it has been classified as a Variant of Uncertain Significance.

PreventionGenetics, part of Exact Sciences
Classification: Uncertain significance for CBL-related condition. Last evaluated: 2025-04-05. Review status: criteria provided, single submitter. Criteria: ACMG Guidelines, 2015. Collection method: clinical testing. Allele origin: germline.
Comment: The CBL c.2350G>A variant is predicted to result in the amino acid substitution p.Val784Met. This variant was reported in an individual with clinical suspicion of a RASopathy (Lepri et al. 2014. PubMed ID: 24451042). This variant is reported in 0.0062% and 0.0025% of alleles in individuals of European (Non-Finnish) descent in gnomAD v2 and v4, respectively including one homozygous individual in v4. At this time, the clinical significance of this variant is uncertain due to the absence of conclusive functional and genetic evidence.

Blueprint Genetics
Classification: Likely benign. Last evaluated: 2024-10-29. Review status: criteria provided, single submitter. Criteria: ACMG Guidelines, 2015. Collection method: clinical testing. Allele origin: germline.

Fulgent Genetics
Classification: Uncertain significance for Juvenile myelomonocytic leukemia; CBL-related disorder. Last evaluated: 2021-08-21. Review status: criteria provided, single submitter. Criteria: ACMG Guidelines, 2015. Collection method: clinical testing. Allele origin: unknown.

GeneDx
Classification: Uncertain significance. Last evaluated: 2015-06-08. Review status: criteria provided, single submitter. Criteria: GeneDx Variant Classification (06012015). Collection method: clinical testing. Allele origin: germline. Affected: yes.
Comment: The V784M missense change in the CBL gene has been reported previously in association with Noonan spectrum disorder (Lepri et al., 2014). It was not observed at any significant frequency in approximately 6,400 individuals of European and African American ancestry by the NHLBI Exome Sequencing Project. V784M is a conservative amino acid substitution, which is not likely to impact secondary protein structure as these residues share similar properties. This substitution occurs at a position that is conserved in mammals. In silico analysis is inconsistent in its predictions as to whether or not the variant is damaging to the protein structure/function. Based on the currently available information, it is unclear whether this variant is a pathogenic mutation or a rare benign variant.

Literature cited by the submitters: PubMed 24451042 (cited by Labcorp Genetics (formerly Invitae), Labcorp).